The following is an entry in ClinVar:

ClinVar aggregate classification (germline): Likely benign. Review status: criteria provided, multiple submitters, no conflicts (2 of 4 stars). 2 submissions from 2 submitters: Likely benign (2). Last evaluated 2026-06-01.

Conditions:
ZMYM2-related disorder. Also called: ZMYM2-related condition.

gnomAD v4.1: 424 of 1,580,390 alleles (0.027%); highest among the groups gnomAD compares: Middle Eastern, 0.18%; no homozygotes.

Submissions (2):

CeGaT Center for Human Genetics Tuebingen
Classification: Likely benign. Last evaluated: 2026-06-01. Review status: criteria provided, single submitter. Criteria: CeGaT Center For Human Genetics Tuebingen Variant Classification Criteria Version 2. Collection method: clinical testing. Allele origin: germline. Affected: yes. Observed: 4 variant alleles.
Comment: ZMYM2: BP4, BS1

PreventionGenetics, part of Exact Sciences
Classification: Likely benign for ZMYM2-related condition. Last evaluated: 2025-12-16. Review status: criteria provided, single submitter. Criteria: ACMG Guidelines, 2015. Collection method: clinical testing. Allele origin: germline.
Comment: This variant is classified as likely benign based on ACMG/AMP sequence variant interpretation guidelines (Richards et al. 2015 PMID: 25741868, with internal and published modifications).

NM_197968.4(ZMYM2):c.2930A>C (p.Asp977Ala)

Gene: ZMYM2 (zinc finger MYM-type containing 2; plus strand). Cytogenetic location: 13q12.11.
Variant type: single nucleotide variant.
Coding change: c.2930A>C on transcript NM_197968.4 (MANE Select); coding-DNA position 2930, A replaced by C.
Protein change: p.Asp977Ala; replaces aspartic acid 977 with alanine.
Molecular consequence: missense variant. On other transcripts: non-coding transcript variant (1).
Genome position (GRCh38, 1-based): chr13:20,062,864, A>C. VCF-style: chr13-20062864-A-C. GRCh37 (hg19) VCF-style: chr13-20637004-A-C.
Other names: c.2930A>C, p.Asp977Ala (NM_001190964.4, NM_001190965.4, NM_001353157.2 and 5 more transcripts); c.2735A>C, p.Asp912Ala (NM_001353161.3); c.2669A>C, p.Asp890Ala (NM_001353163.2); c.2930A>C (NM_197968.3); short protein forms D890A, D912A, D977A.
Identifiers: ClinVar variation 3770461 (VCV003770461.14).